The following is an entry in ClinVar:

NM_001040108.2(MLH3):c.2641A>C (p.Lys881Gln)

Gene: MLH3 (mutL homolog 3; minus strand). Cytogenetic location: 14q24.3.
Variant type: single nucleotide variant.
Coding change: c.2641A>C on transcript NM_001040108.2 (MANE Select); coding-DNA position 2641, A replaced by C.
Protein change: p.Lys881Gln; replaces lysine 881 with glutamine.
Molecular consequence: missense variant.
Genome position (GRCh38, 1-based): chr14:75,047,015, T>G on the plus strand (A>C on the coding strand, the complement: MLH3 is on the minus strand). VCF-style: chr14-75047015-T-G. GRCh37 (hg19) VCF-style: chr14-75513718-T-G.
Other names: c.2641A>C, p.Lys881Gln (NM_014381.3); short protein forms K881Q.
Identifiers: ClinVar variation 1007147 (VCV001007147.9), dbSNP rs766431474, ClinGen allele CA7275668.
Genomic context (GRCh38, chr14:75,047,015, plus strand): 5'-TTGGAAGTTCATTAAAACGACTCATCATCCCCATTGTTTGAGTTTCTCTTTCGGAACCCT[T>G]CAGTCTGGATAATTTAGAGGCTAGTGATTCAGATGACTTCTCAAGGTCCAAAGGTTTTCT-3'
Protein context (NP_001035197.1, residues 871-891): ESLASKLSRL[Lys881Gln]GSERETQTMG

ClinVar aggregate classification (germline): Uncertain significance (1 of 4 stars; one submission).

Conditions:
Colorectal cancer, hereditary nonpolyposis, type 7. Identifiers: Orphanet 144, MedGen C1858380, MONDO:0013725, OMIM 614385.

Allele frequency attached by ClinVar (database versions not stated): ExAC 0.00001; gnomAD exomes 0.00001.
gnomAD v4.1: 3 of 1,614,176 alleles (0.00019%); highest among the groups gnomAD compares: South Asian, 0.0033%; no homozygotes.

Submission:

Labcorp Genetics (formerly Invitae), Labcorp
Classification: Uncertain significance for Colorectal cancer, hereditary nonpolyposis, type 7. Last evaluated: 2018-01-03. Review status: criteria provided, single submitter. Criteria: Invitae Variant Classification Sherloc (09022015). Collection method: clinical testing. Allele origin: germline.
Comment: In summary, the available evidence is currently insufficient to determine the role of this variant in disease. Therefore, it has been classified as a Variant of Uncertain Significance. Algorithms developed to predict the effect of missense changes on protein structure and function do not agree on the potential impact of this missense change (SIFT: "Deleterious"; PolyPhen-2: "Probably Damaging"; Align-GVGD: "Class C0"). This variant has not been reported in the literature in individuals with MLH3-related disease. This variant is present in population databases (rs766431474, ExAC 0.006%). This sequence change replaces lysine with glutamine at codon 881 of the MLH3 protein (p.Lys881Gln). The lysine residue is highly conserved and there is a small physicochemical difference between lysine and glutamine.